The following is an entry in ClinVar:

NM_001128148.3(TFRC):c.1678-5_1678-4inv

Gene: TFRC (transferrin receptor; minus strand). Cytogenetic location: 3q29.
Variant type: Inversion.
Coding change: c.1678-5_1678-4inv on transcript NM_001128148.3 (MANE Select).
Molecular consequence: intron variant.
Genome position: GRCh38 VCF-style: chr3-196055305-CA-TG. GRCh37 (hg19) VCF-style: chr3-195782176-CA-TG.
Other names: c.832-5_832-4inv (NM_001313966.2); c.1435-5_1435-4inv (NM_001313965.2); c.1678-5_1678-4inv (NM_003234.4); c.1678-5_1678-4delinsCA (NM_003234.4).
Identifiers: ClinVar variation 1135661 (VCV001135661.10), ClinGen allele CA90743207.

ClinVar aggregate classification (germline): Benign/Likely benign. Review status: criteria provided, multiple submitters, no conflicts (2 of 4 stars). 3 submissions from 3 submitters: Benign (2); Likely benign (1). Last evaluated 2026-02-04.

Submissions (3):

Labcorp Genetics (formerly Invitae), Labcorp
Classification: Likely benign. Last evaluated: 2026-02-04. Review status: criteria provided, single submitter. Criteria: Invitae Variant Classification Sherloc (09022015). Collection method: clinical testing. Allele origin: germline.

Women's Health and Genetics/Laboratory Corporation of America, LabCorp
Classification: Benign. Last evaluated: 2026-01-22. Review status: criteria provided, single submitter. Criteria: LabCorp Variant Classification Summary - May 2015. Collection method: clinical testing. Allele origin: germline.
Comment: Variant summary: TFRC c.1678-5_1678-4delinsCA alters a nucleotide located at a position not widely known to affect splicing. Consensus agreement among computation tools predict no significant impact on normal splicing. However, these predictions have yet to be confirmed by functional studies. The variant allele was found at a frequency of 0.31 in 282122 control chromosomes in the gnomAD database, including 14117 homozygotes. The observed variant frequency exceeds the estimated maximal expected allele frequency for disease-causing variants in TFRC. To our knowledge, no occurrence of c.1678-5_1678-4delinsCA in individuals affected with TFRC-related conditions and no experimental evidence demonstrating its impact on protein function have been reported. ClinVar contains an entry for this variant (Variation ID: 1135661). Based on the evidence outlined above, the variant was classified as benign.

Unidad de Genómica Garrahan, Hospital de Pediatría Garrahan
Classification: Benign. Last evaluated: 2023-11-12. Review status: criteria provided, single submitter. Criteria: ACMG Guidelines, 2015. Collection method: clinical testing. Allele origin: germline. Affected: no. Observed: 50 variant alleles.
Comment: This variant is classified as Benign based on local population frequency. This variant was detected in 52% of patients studied by a panel of primary immunodeficiencies. Number of patients: 50. Only high quality variants are reported.